The following is an entry in ClinVar:

ClinVar aggregate classification (germline): Likely benign (1 of 4 stars; one submission).

gnomAD v4.1: 34 of 1,612,076 alleles (0.0021%); highest among the groups gnomAD compares: Non-Finnish European, 0.0023%; no homozygotes.

Submission:

CeGaT Center for Human Genetics Tuebingen
Classification: Likely benign. Last evaluated: 2025-10-01. Review status: criteria provided, single submitter. Criteria: CeGaT Center For Human Genetics Tuebingen Variant Classification Criteria Version 2. Collection method: clinical testing. Allele origin: germline. Affected: yes. Observed: 2 variant alleles.
Comment: HERC2: BP4, BP7

NM_004667.6(HERC2):c.4227G>A (p.Leu1409=)

Gene: HERC2 (HECT and RLD domain containing E3 ubiquitin protein ligase 2; minus strand). Cytogenetic location: 15q13.1.
Variant type: single nucleotide variant.
Coding change: c.4227G>A on transcript NM_004667.6 (MANE Select); coding-DNA position 4227, G replaced by A.
Protein change: p.Leu1409=; no amino-acid change (leucine 1409 retained).
Molecular consequence: synonymous variant.
Genome position (GRCh38, 1-based): chr15:28,233,788, C>T on the plus strand (G>A on the coding strand, the complement: HERC2 is on the minus strand). VCF-style: chr15-28233788-C-T. GRCh37 (hg19) VCF-style: chr15-28478934-C-T.
Identifiers: ClinVar variation 4281137 (VCV004281137.7).